The following is an entry in ClinVar:

ClinVar aggregate classification (germline): Likely benign (1 of 4 stars; one submission).

Conditions:
UNC45B-related disorder. Also called: UNC45B-related condition.

gnomAD v4.1: 3 of 1,603,982 alleles (0.00019%); highest among the groups gnomAD compares: Admixed American, 0.0035%; no homozygotes.

Submission:

PreventionGenetics, part of Exact Sciences
Classification: Likely benign for UNC45B-related condition. Last evaluated: 2025-06-03. Review status: criteria provided, single submitter. Criteria: ACMG Guidelines, 2015. Collection method: clinical testing. Allele origin: germline.
Comment: This variant is classified as likely benign based on ACMG/AMP sequence variant interpretation guidelines (Richards et al. 2015 PMID: 25741868, with internal and published modifications).

NM_001267052.2(UNC45B):c.606C>G (p.Thr202=)

Gene: UNC45B (unc-45 myosin chaperone B; plus strand). Cytogenetic location: 17q12.
Variant type: single nucleotide variant.
Coding change: c.606C>G on transcript NM_001267052.2 (MANE Select); coding-DNA position 606, C replaced by G.
Protein change: p.Thr202=; no amino-acid change (threonine 202 retained).
Molecular consequence: synonymous variant.
Genome position (GRCh38, 1-based): chr17:35,154,708, C>G. VCF-style: chr17-35154708-C-G. GRCh37 (hg19) VCF-style: chr17-33481727-C-G.
Other names: c.606C>G, p.Thr202= (NM_001033576.2, NM_001308281.1, NM_173167.3).
Identifiers: ClinVar variation 4987100 (VCV004987100.1).